The following is an entry in ClinVar:

NM_001171613.2(PREPL):c.1086+2T>C

Gene: PREPL (prolyl endopeptidase like; minus strand). Cytogenetic location: 2p21.
Variant type: single nucleotide variant.
Coding change: c.1086+2T>C on transcript NM_001171613.2 (MANE Select); the canonical splice donor site of the intron after coding-DNA position 1086, T replaced by C.
Molecular consequence: splice donor variant. On other transcripts: intron variant (1).
Genome position (GRCh38, 1-based): chr2:44,332,457, A>G on the plus strand (T>C on the coding strand, the complement: PREPL is on the minus strand). VCF-style: chr2-44332457-A-G. GRCh37 (hg19) VCF-style: chr2-44559596-A-G.
Other names: c.1086+2T>C (NM_001171617.1, NM_001374277.1); c.1353+2T>C (NM_001171603.1, NM_001374275.1, NM_001374276.1 and 2 more transcripts); c.1167+2T>C (NM_001042385.2); c.1156-3345T>C (NM_001042386.2).
Identifiers: ClinVar variation 2032924 (VCV002032924.4), dbSNP rs1674217480, ClinGen allele CA346690911.

ClinVar aggregate classification (germline): Likely pathogenic (1 of 4 stars; one submission).

Conditions:
Myasthenic syndrome, congenital, 22 (CMS22). Also called: PREPL DEFICIENCY. Identifiers: MedGen C4479088, MONDO:0044299, OMIM 616224.

Allele frequency attached by ClinVar (database versions not stated): gnomAD 0.00001.
gnomAD v4.1: 1 of 1,609,584 alleles (0.000062%); highest among the groups gnomAD compares: Non-Finnish European, 0.000085%; no homozygotes.

Submission:

Labcorp Genetics (formerly Invitae), Labcorp
Classification: Likely pathogenic for Myasthenic syndrome, congenital, 22. Last evaluated: 2024-02-24. Review status: criteria provided, single submitter. Criteria: Invitae Variant Classification Sherloc (09022015). Collection method: clinical testing. Allele origin: germline.
Comment: This sequence change affects a donor splice site in intron 8 of the PREPL gene. It is expected to disrupt RNA splicing. Variants that disrupt the donor or acceptor splice site typically lead to a loss of protein function (PMID: 16199547), and loss-of-function variants in PREPL are known to be pathogenic (PMID: 24610330, 28726805, 29913539). This variant is not present in population databases (gnomAD no frequency). This variant has not been reported in the literature in individuals affected with PREPL-related conditions. ClinVar contains an entry for this variant (Variation ID: 2032924). Algorithms developed to predict the effect of sequence changes on RNA splicing suggest that this variant may disrupt the consensus splice site. In summary, the currently available evidence indicates that the variant is pathogenic, but additional data are needed to prove that conclusively. Therefore, this variant has been classified as Likely Pathogenic.

Literature cited by the submitters: PubMed 16199547; PubMed 24610330; PubMed 28726805; PubMed 29913539.